The following is an entry in ClinVar:

ClinVar aggregate classification (germline): Uncertain significance (1 of 4 stars; one submission).

Submission:

GeneDx
Classification: Uncertain significance. Last evaluated: 2024-05-13. Review status: criteria provided, single submitter. Criteria: GeneDx Variant Classification Process June 2021. Collection method: clinical testing. Allele origin: germline. Affected: yes.
Comment: Not observed at significant frequency in large population cohorts (gnomAD); In silico analysis indicates that this missense variant does not alter protein structure/function; Has not been previously published as pathogenic or benign to our knowledge

NM_001008537.3(NEXMIF):c.2473T>A (p.Ser825Thr)

Gene: NEXMIF (neurite extension and migration factor; minus strand). Cytogenetic location: Xq13.3.
Variant type: single nucleotide variant.
Coding change: c.2473T>A on transcript NM_001008537.3 (MANE Select); coding-DNA position 2473, T replaced by A.
Protein change: p.Ser825Thr; replaces serine 825 with threonine.
Molecular consequence: missense variant.
Genome position (GRCh38, 1-based): chrX:74,742,084, A>T on the plus strand (T>A on the coding strand, the complement: NEXMIF is on the minus strand). VCF-style: chrX-74742084-A-T. GRCh37 (hg19) VCF-style: chrX-73961919-A-T.
Other names: short protein forms S825T.
Identifiers: ClinVar variation 3378204 (VCV003378204.1).